The following is an entry in ClinVar:

NM_001375.3(DNASE2):c.463C>G (p.Gln155Glu)

Gene: DNASE2 (deoxyribonuclease 2, lysosomal; minus strand). Cytogenetic location: 19p13.13.
Variant type: single nucleotide variant.
Coding change: c.463C>G on transcript NM_001375.3 (MANE Select); coding-DNA position 463, C replaced by G.
Protein change: p.Gln155Glu; replaces glutamine 155 with glutamic acid.
Molecular consequence: missense variant.
Genome position (GRCh38, 1-based): chr19:12,878,718, G>C on the plus strand (C>G on the coding strand, the complement: DNASE2 is on the minus strand). VCF-style: chr19-12878718-G-C. GRCh37 (hg19) VCF-style: chr19-12989532-G-C.
Other names: short protein forms Q155E.
Identifiers: ClinVar variation 2637371 (VCV002637371.1), dbSNP rs2512549678, ClinGen allele CA404299703.

ClinVar aggregate classification (germline): Uncertain significance (1 of 4 stars; one submission).

Conditions:
DNASE2-related disorder. Also called: DNASE2-related condition.

Submission:

PreventionGenetics, part of Exact Sciences
Classification: Uncertain significance for DNASE2-related condition. Last evaluated: 2022-10-12. Review status: criteria provided, single submitter. Criteria: ACMG Guidelines, 2015. Collection method: clinical testing. Allele origin: germline.
Comment: The DNASE2 c.463C>G variant is predicted to result in the amino acid substitution p.Gln155Glu. To our knowledge, this variant has not been reported in the literature or in a large population database, indicating this variant is rare. At this time, the clinical significance of this variant is uncertain due to the absence of conclusive functional and genetic evidence.